The following is an entry in ClinVar:

NM_172245.4(CSF2RA):c.147G>A (p.Trp49Ter)

Gene: CSF2RA (colony stimulating factor 2 receptor subunit alpha; plus strand). Cytogenetic location: Xp22.33.
Variant type: single nucleotide variant.
Coding change: c.147G>A on transcript NM_172245.4 (MANE Select); coding-DNA position 147, G replaced by A.
Protein change: p.Trp49Ter; replaces tryptophan 49 with a stop codon.
Molecular consequence: nonsense. On other transcripts: non-coding transcript variant (1), intron variant (1).
Genome position (GRCh38, 1-based): chrX:1,285,848, G>A. VCF-style: chrX-1285848-G-A. GRCh37 (hg19) VCF-style: chrX-1404741-G-A.
Other names: c.147G>A, p.Trp49Ter (NM_001161529.2, NM_001161530.2, NM_001161531.2 and 21 more transcripts); c.-180-2671G>A (NM_001161532.2); short protein forms W49*.
Identifiers: ClinVar variation 2805729 (VCV002805729.3), dbSNP rs1414104515, ClinGen allele CA412234646.
Genomic context (GRCh38, chrX:1,285,848, plus strand): 5'-AGTGGCACCAGCCTCTAGTCTCAATGTGAGGTTTGACTCCAGGACGATGAATTTAAGCTG[G>A]GACTGCCAAGAAAACACAACCTTCAGCAAGTGTTTCTTAACTGACAAGAAGAACAGAGTC-3'

ClinVar aggregate classification (germline): Pathogenic (1 of 4 stars; one submission).

Conditions:
Surfactant metabolism dysfunction, pulmonary, 4 (SMDP4). Also called: CSF2RA DEFICIENCY; PAP DUE TO CSF2RA DEFICIENCY; PULMONARY ALVEOLAR PROTEINOSIS, CONGENITAL, 4. Identifiers: Orphanet 264675, MedGen C2677877, MONDO:0010424, OMIM 300770.

gnomAD v4.1: 1 of 1,613,798 alleles (0.000062%); no homozygotes.

Submission:

Labcorp Genetics (formerly Invitae), Labcorp
Classification: Pathogenic for Surfactant metabolism dysfunction, pulmonary, 4. Last evaluated: 2024-05-17. Review status: criteria provided, single submitter. Criteria: Invitae Variant Classification Sherloc (09022015). Collection method: clinical testing. Allele origin: germline.
Comment: This sequence change creates a premature translational stop signal (p.Trp49*) in the CSF2RA gene. It is expected to result in an absent or disrupted protein product. Loss-of-function variants in CSF2RA are known to be pathogenic (PMID: 20622029, 25425184). This variant is not present in population databases (gnomAD no frequency). This variant has not been reported in the literature in individuals affected with CSF2RA-related conditions. Algorithms developed to predict the effect of sequence changes on RNA splicing suggest that this variant may disrupt the consensus splice site. For these reasons, this variant has been classified as Pathogenic.

Literature cited by the submitters: PubMed 20622029; PubMed 25425184.